The following is an entry in ClinVar:

NM_001195263.2(PDZD7):c.2584A>G (p.Thr862Ala)

Gene: PDZD7 (PDZ domain containing 7; minus strand). Cytogenetic location: 10q24.31.
Variant type: single nucleotide variant.
Coding change: c.2584A>G on transcript NM_001195263.2 (MANE Select); coding-DNA position 2584, A replaced by G.
Protein change: p.Thr862Ala; replaces threonine 862 with alanine.
Molecular consequence: missense variant.
Genome position (GRCh38, 1-based): chr10:101,010,305, T>C on the plus strand (A>G on the coding strand, the complement: PDZD7 is on the minus strand). VCF-style: chr10-101010305-T-C. GRCh37 (hg19) VCF-style: chr10-102770062-T-C.
Other names: short protein forms T862A.
Identifiers: ClinVar variation 2974426 (VCV002974426.3), dbSNP rs1174449824, ClinGen allele CA378223806.

ClinVar aggregate classification (germline): Uncertain significance (1 of 4 stars; one submission).

Allele frequency attached by ClinVar (database versions not stated): gnomAD exomes 0.00001.

Submission:

Labcorp Genetics (formerly Invitae), Labcorp
Classification: Uncertain significance. Last evaluated: 2023-02-14. Review status: criteria provided, single submitter. Criteria: Invitae Variant Classification Sherloc (09022015). Collection method: clinical testing. Allele origin: germline.
Comment: This sequence change replaces threonine, which is neutral and polar, with alanine, which is neutral and non-polar, at codon 862 of the PDZD7 protein (p.Thr862Ala). The frequency data for this variant in the population databases is considered unreliable, as metrics indicate poor data quality at this position in the gnomAD database. This variant has not been reported in the literature in individuals affected with PDZD7-related conditions. Advanced modeling of protein sequence and biophysical properties (such as structural, functional, and spatial information, amino acid conservation, physicochemical variation, residue mobility, and thermodynamic stability) performed at Invitae indicates that this missense variant is not expected to disrupt PDZD7 protein function. In summary, the available evidence is currently insufficient to determine the role of this variant in disease. Therefore, it has been classified as a Variant of Uncertain Significance.